The following is an entry in ClinVar:

NM_002430.3(MN1):c.2205T>C (p.Phe735=)

Gene: MN1 (MN1 proto-oncogene, transcriptional regulator; minus strand). Cytogenetic location: 22q12.1.
Variant type: single nucleotide variant.
Coding change: c.2205T>C on transcript NM_002430.3 (MANE Select); coding-DNA position 2205, T replaced by C.
Protein change: p.Phe735=; no amino-acid change (phenylalanine 735 retained).
Molecular consequence: synonymous variant.
Genome position (GRCh38, 1-based): chr22:27,798,339, A>G on the plus strand (T>C on the coding strand, the complement: MN1 is on the minus strand). VCF-style: chr22-27798339-A-G. GRCh37 (hg19) VCF-style: chr22-28194327-A-G.
Identifiers: ClinVar variation 4873582 (VCV004873582.2).

ClinVar aggregate classification (germline): Likely benign (1 of 4 stars; one submission).

gnomAD v4.1: 76 of 1,514,366 alleles (0.005%); highest among the groups gnomAD compares: South Asian, 0.09%; 1 homozygote.

Submission:

CeGaT Center for Human Genetics Tuebingen
Classification: Likely benign. Last evaluated: 2026-04-01. Review status: criteria provided, single submitter. Criteria: CeGaT Center For Human Genetics Tuebingen Variant Classification Criteria Version 2. Collection method: clinical testing. Allele origin: germline. Affected: yes. Observed: 1 variant allele.
Comment: MN1: BP4, BP7